The following is an entry in ClinVar:

Conditions:
Breast-ovarian cancer, familial, susceptibility to, 1 (BROVCA1). Also called: BRCA1 Hereditary Breast and Ovarian Cancer; OVARIAN CANCER, SUSCEPTIBILITY TO. Identifiers: Orphanet 145, MedGen C2676676, MONDO:0011450, OMIM 604370. Disease mechanism: loss of function.

Submission:

Brotman Baty Institute, University of Washington
No classification provided (evidence only). Condition: Breast-ovarian cancer, familial 1. Review status: no classification provided. Collection method: in vitro. Allele origin: not applicable. Functional consequence: functionally_normal.
ClinVar note: "not provided" was previously submitted as the classification for the variant. However, the classification appeared to be based only on an observation of functional data so it was converted to no classification on 2025-07-30.

NM_007294.4(BRCA1):c.5349G>C (p.Met1783Ile)

Gene: BRCA1 (BRCA1 DNA repair associated; minus strand). Cytogenetic location: 17q21.31.
Variant type: single nucleotide variant.
Coding change: c.5349G>C on transcript NM_007294.4 (MANE Select); coding-DNA position 5349, G replaced by C.
Protein change: p.Met1783Ile; replaces methionine 1783 with isoleucine.
Molecular consequence: missense variant. On other transcripts: non-coding transcript variant (1), intron variant (1).
Genome position (GRCh38, 1-based): chr17:43,049,178, C>G on the plus strand (G>C on the coding strand, the complement: BRCA1 is on the minus strand). VCF-style: chr17-43049178-C-G. GRCh37 (hg19) VCF-style: chr17-41201195-C-G.
Other names: c.5208G>C, p.Met1736Ile (NM_001407729.1, NM_001407730.1, NM_001407731.1 and 12 more transcripts); c.5205G>C, p.Met1735Ile (NM_001407732.1, NM_001407733.1, NM_001407734.1 and 18 more transcripts); c.5136G>C, p.Met1712Ile (NM_001407571.1, NM_001407894.1, NM_001407895.1 and 12 more transcripts); c.5415G>C, p.Met1805Ile (NM_001407581.1, NM_001407582.1); c.5412G>C, p.Met1804Ile (NM_001407583.1, NM_001407585.1, NM_001407587.1 and 1 more transcripts); c.5409G>C, p.Met1803Ile (NM_001407590.1, NM_001407591.1); c.5349G>C, p.Met1783Ile (NM_001407593.1, NM_001407594.1, NM_001407596.1 and 5 more transcripts); c.5346G>C, p.Met1782Ile (NM_001407614.1, NM_001407615.1, NM_001407616.1 and 14 more transcripts); and 73 more; short protein forms M1783I, M1804I, M679I, M1736I, M640I, M676I, M1671I, M1695I.
Identifiers: ClinVar variation 865645 (VCV000865645.3), dbSNP rs587782019, ClinGen allele CA10590765.
Genomic context (GRCh38, chr17:43,049,178, plus strand): 5'-TACTGTGCCAAGGGTGAATGATGAAAGCTCCTTCACCACAGAAGCACCACACAGCTGTAC[C>G]ATCCATTCCAGTTGATCTAAAATGGACATTTAGATGTAAAATCACTGCAGTAATCTGCAT-3'
Protein context (NP_009225.1, residues 1773-1793): TNMPTDQLEW[Met1783Ile]VQLCGASVVK